The following is an entry in ClinVar:

NM_015967.8(PTPN22):c.1858= (p.Trp620=)

Genes: AP4B1-AS1 (AP4B1 antisense RNA 1; plus strand), PTPN22 (protein tyrosine phosphatase non-receptor type 22; minus strand). Cytogenetic location: 1p13.2.
Variant type: single nucleotide variant.
Coding change: c.1858= on transcript NM_015967.8 (MANE Select); coding-DNA position 1858, no change from the reference sequence.
Protein change: p.Trp620=; no amino-acid change (tryptophan 620 retained).
Molecular consequence: no sequence alteration. On other transcripts: synonymous variant (3).
Genome position: GRCh38 VCF-style: chr1-113834946-A-A. GRCh37 (hg19) VCF-style: chr1-114377568-A-A.
Other names: 1858C>T; c.1858T=, p.Trp620= (NM_001193431.3); c.1786T=, p.Trp596= (NM_001308297.2); c.1693T=, p.Trp565= (NM_012411.6); short protein forms R620W, R596W, R565W.
Identifiers: ClinVar variation 8909 (VCV000008909.12), dbSNP rs2476601.

ClinVar aggregate classification (germline): Conflicting classifications of pathogenicity. Review status: criteria provided, conflicting classifications (1 of 4 stars). 4 submissions from 4 submitters: Uncertain risk allele (1); Benign (1). 2 of the submissions do not count toward it. Last evaluated 2026-09-10.

Conditions:
chronic fatigue syndrome with infection-triggered onset.
Diabetes mellitus, insulin-dependent, susceptibility to.

Allele frequency attached by ClinVar (database versions not stated): 1000 Genomes Project 30x 0.02936; gnomAD 0.06614 and 0.06839; gnomAD exomes 0.07108 and 0.08955; 1000 Genomes Project 0.02736; TOPMed 0.05577; ExAC 0.06684.

Submissions (4):

Eleanor M. Freitas Health Laboratory
Classification: Uncertain risk allele for chronic fatigue syndrome with infection-triggered onset. Last evaluated: 2026-09-10. Review status: criteria provided, single submitter. Criteria: ClinGen Low Penetrance/Risk Allele, 2024. Collection method: curation. Allele origin: germline. Affected: yes.
Comment: The R620W (rs2476601) is a variant of the PTPN22 (Protein Tyrosine Phosphatase Non-Receptor Type 22) Gene. This variant is being assessed against the "ClinGen Low Penetrance/Risk Allele Working Group" classification criteria. In summary, the evidence is "limited/conflicting" as a Risk Allele for the post-Infectious sub-type of Myalgic Encephalomyelitis / Chronic Fatigue Syndrome (ME/CFS) because there is a "large between-study inconsistency" between two independently replicated cohorts in the association between this variant and the "post-infectious" sub-type of the disease. Indeed, Steiner et al. (2020) originally found a statistically significant association between the rs2476601(A) variant and a cohort of ME/CFS triggered by infectious onset (OR 1.63, CI 1.04–2.55, p = 0.016). Hajdarevic et al. (2022) later established a null association (p= >0.6) in their Norwegian cohorts from within their larger genetic association study, having also examined the rs2476601 variant in post-infectious onset of ME/CFS patients. Whilst not meeting the criteria for refuting the association between the risk allele and disease sub-type due to limited replication study population size, conflicting/uncertainty is indeed sufficiently merited in classifying the risk allele as such, based on the assertion criteria associated with the ClinGen Risk Allele framework; supporting variant-level functional data on negative immune TCR dysregulation exists, but its relevance to ME/CFS appears mechanistically indirect at this time. In summary, to the extent of our knowledge, and on the date of this assertion. No further studies were identified in supporting an association of this variant (relating to the phenotype/disease in question) since that of Steiner et al. (2020).

Labcorp Genetics (formerly Invitae), Labcorp
Classification: Benign. Last evaluated: 2018-10-17. Review status: criteria provided, single submitter. Criteria: Invitae Variant Classification Sherloc (09022015). Collection method: clinical testing. Allele origin: germline.

Institute for Medical Immunology, Charité - Universitätsmedizin Berlin
Classification: risk factor for chronic fatigue syndrome with infection-triggered onset. Last evaluated: 2020-02-10. Review status: no assertion criteria provided. Collection method: case-control. Allele origin: germline. Affected: yes. Observed: 101 variant alleles. Not counted in ClinVar's aggregate classification.
Comment: A allele is associated with chronic fatigue syndrome with infection-triggered onset (OR 1.63 [CI 1.04-2.55], p = 0,016)

OMIM
Classification: Benign for RECLASSIFIED - PTPN22 POLYMORPHISM. Last evaluated: 2011-08-14. Review status: no assertion criteria provided. Collection method: literature only. Allele origin: germline. Not counted in ClinVar's aggregate classification.

Literature cited by the submitters: PubMed 35318112 (cited by Eleanor M. Freitas Health Laboratory); PubMed 32328064 (cited by Eleanor M. Freitas Health Laboratory); Hamosh, A. Personal Communication. 2024. Baltimore, Md. (cited by OMIM); PubMed 15004560 (cited by OMIM); PubMed 15744042 (cited by OMIM); Barrett, J. C., Clayton, D. G., Concannon, P., Akolkar, B., Cooper, J. D., Erlich, H. A., Julier, C., Morahan, G., Nerup, J., Nierras, C., Plagnol, V., Pociot, F., Schuilenburg, H., Smyth, D. J., Stevens, H., Todd, J. A., Walker, N. M., Rich, S. S., Type 1 Diabetes Genetics Consortium Genome-wide association study and meta-analysis find that over 40 loci affect risk of type 1 diabetes. Nature Genet. 41: 703-707, 2009. (cited by OMIM); PubMed 17554300 (cited by OMIM); PubMed 18978792 (cited by OMIM); PubMed 15208781 (cited by OMIM); PubMed 15273934 (cited by OMIM); PubMed 15580548 (cited by OMIM); PubMed 18301444 (cited by OMIM); PubMed 15719322 (cited by OMIM); PubMed 17170052 (cited by OMIM); PubMed 16273109 (cited by OMIM); PubMed 17436241 (cited by OMIM); PubMed 17878369 (cited by OMIM); PubMed 19898480 (cited by OMIM); PubMed 19265110 (cited by OMIM); PubMed 21841778 (cited by OMIM); PubMed 16470599 (cited by OMIM); PubMed 16339849 (cited by OMIM).